The following is an entry in ClinVar:

ClinVar aggregate classification (germline): Uncertain significance (1 of 4 stars; one submission).

Allele frequency attached by ClinVar (database versions not stated): TOPMed 0.00001; gnomAD 0.00003; ExAC 0.00001; gnomAD exomes 0.00003.
gnomAD v4.1: 42 of 1,611,300 alleles (0.0026%); highest among the groups gnomAD compares: Non-Finnish European, 0.0035%; no homozygotes.

Submission:

Labcorp Genetics (formerly Invitae), Labcorp
Classification: Uncertain significance. Last evaluated: 2025-10-01. Review status: criteria provided, single submitter. Criteria: Invitae Variant Classification Sherloc (09022015). Collection method: clinical testing. Allele origin: germline.
Comment: This sequence change falls in intron 15 of the CLCN2 gene. It does not directly change the encoded amino acid sequence of the CLCN2 protein. It affects a nucleotide within the consensus splice site. This variant is present in population databases (rs745531587, gnomAD 0.0009%). This variant has not been reported in the literature in individuals affected with CLCN2-related conditions. ClinVar contains an entry for this variant (Variation ID: 2726445). Variants that disrupt the consensus splice site are a relatively common cause of aberrant splicing (PMID: 17576681, 9536098). Algorithms developed to predict the effect of sequence changes on RNA splicing suggest that this variant is not likely to affect RNA splicing. In summary, the available evidence is currently insufficient to determine the role of this variant in disease. Therefore, it has been classified as a Variant of Uncertain Significance.

Literature cited by the submitters: PubMed 17576681; PubMed 9536098.

NM_004366.6(CLCN2):c.1721+6G>A

Gene: CLCN2 (chloride voltage-gated channel 2; minus strand). Cytogenetic location: 3q27.1.
Variant type: single nucleotide variant.
Coding change: c.1721+6G>A on transcript NM_004366.6 (MANE Select); 6 bases into the intron after coding-DNA position 1721, G replaced by A.
Molecular consequence: intron variant.
Genome position (GRCh38, 1-based): chr3:184,354,095, C>T on the plus strand (G>A on the coding strand, the complement: CLCN2 is on the minus strand). VCF-style: chr3-184354095-C-T. GRCh37 (hg19) VCF-style: chr3-184071883-C-T.
Other names: c.1589+6G>A (NM_001171088.3); c.1670+6G>A (NM_001171087.3); c.1721+6G>A (NM_001171089.3).
Identifiers: ClinVar variation 2726445 (VCV002726445.3), dbSNP rs745531587, ClinGen allele CA2734013.
Genomic context (GRCh38, chr3:184,354,095, plus strand): 5'-TGTAGGGGGATCTAGGATGCCCTCTGCCCTTCACCCACAGCCCCCTTGGCACCCAGCCCT[C>T]CGTACTGGTGGCGGCCCCAGCCGAGCTCAGGCAGGTAGGGCAGTTTCTTGATTCGGATGA-3'